The following is an entry in ClinVar:

NM_182607.5(VSIG1):c.438C>T (p.Ser146=)

Gene: VSIG1 (V-set and immunoglobulin domain containing 1; plus strand). Cytogenetic location: Xq22.3.
Variant type: single nucleotide variant.
Coding change: c.438C>T on transcript NM_182607.5 (MANE Select); coding-DNA position 438, C replaced by T.
Protein change: p.Ser146=; no amino-acid change (serine 146 retained).
Molecular consequence: synonymous variant.
Genome position (GRCh38, 1-based): chrX:108,072,702, C>T. VCF-style: chrX-108072702-C-T. GRCh37 (hg19) VCF-style: chrX-107315932-C-T.
Other names: c.546C>T, p.Ser182= (NM_001170553.2).
Identifiers: ClinVar variation 2661156 (VCV002661156.24), dbSNP rs144418706, ClinGen allele CA10486515.

ClinVar aggregate classification (germline): Likely benign (1 of 4 stars; one submission).

Allele frequency attached by ClinVar (database versions not stated): ESP Exome Variant Server 0.00038.
gnomAD v4.1: 236 of 1,209,437 alleles (0.02%); highest among the groups gnomAD compares: Middle Eastern, 0.092%; no homozygotes.

Submission:

CeGaT Center for Human Genetics Tuebingen
Classification: Likely benign. Last evaluated: 2022-10-01. Review status: criteria provided, single submitter. Criteria: CeGaT Center For Human Genetics Tuebingen Variant Classification Criteria Version 2. Collection method: clinical testing. Allele origin: germline. Affected: yes. Observed: 1 variant allele.
Comment: VSIG1: BP4, BP7